The following is an entry in ClinVar:

NM_005144.5(HR):c.2001_2004del (p.Ser667fs)

Gene: HR (HR lysine demethylase and nuclear receptor corepressor; minus strand). Cytogenetic location: 8p21.3.
Variant type: Microsatellite.
Coding change: c.2001_2004del on transcript NM_005144.5 (MANE Select); coding-DNA positions 2001 to 2004, 4 bases deleted (CCAG; older notation c.2001_2004delCCAG).
Protein change: p.Ser667fs; shifts the reading frame from serine 667.
Molecular consequence: frameshift variant.
Genome position (GRCh38, 1-based): chr8:22,122,791-22,122,794, CTGG deleted on the plus strand (CCAG on the coding strand, the reverse complement: HR is on the minus strand); deleting any 4 consecutive bases within chr8:22,122,791-22,122,798 gives the same sequence; the c. name uses the placement nearest the transcript's 3' end. VCF-style (leftmost placement, unchanged base first): chr8-22122790-CCTGG-C. GRCh37 (hg19) VCF-style: chr8-21980303-CCTGG-C.
Other names: c.2001_2004del, p.Ser667fs (NM_018411.4); c.2001_2004del (NM_005144.4); c.2001_2004delCCAG (NM_005144.4); short protein forms S667fs.
Identifiers: ClinVar variation 667396 (VCV000667396.5), dbSNP rs1477806230, ClinGen allele CA580950518.

ClinVar aggregate classification (germline): Pathogenic. Review status: criteria provided, multiple submitters, no conflicts (2 of 4 stars). 2 submissions from 2 submitters: Pathogenic (2). Last evaluated 2026-02-27.

Conditions:
Atrichia with papular lesions (APL). Also called: PAPULAR ATRICHIA. Identifiers: Orphanet 86819, MedGen C1859592, MONDO:0008847, OMIM 209500.

Submissions (2):

GeneDx
Classification: Pathogenic. Last evaluated: 2026-02-27. Review status: criteria provided, single submitter. Criteria: GeneDx Variant Classification Process June 2021. Collection method: clinical testing. Allele origin: germline.
Comment: Frameshift variant predicted to result in protein truncation or nonsense mediated decay in a gene for which loss of function is a known mechanism of disease; Not observed at significant frequency in large population cohorts (gnomAD); This variant is associated with the following publications: (PMID: 10594736)

Laboratory for Molecular Medicine, Mass General Brigham Personalized Medicine
Classification: Pathogenic for Atrichia with papular lesions. Last evaluated: 2018-10-26. Review status: criteria provided, single submitter. Criteria: LMM Criteria. Collection method: clinical testing. Allele origin: germline. Inheritance: Autosomal recessive inheritance. Observed: 1 variant allele.
Comment: The p.Ser667ArgfsX6 variant has been reported in 1 homozygous individual with at richia with papular lesions and segregated with disease in 4 affected family mem bers (Kruse 1999). It was absent from large population studies. This variant is predicted to cause a frameshift, which alters the protein?s amino acid sequence beginning at position 667 and leads to a premature termination codon 6 amino aci ds downstream. This alteration is then predicted to lead to a truncated or absen t protein. Biallelic loss of function of the HR gene is an established disease m echanism in atrichia with papular lesions. In summary, this variant meets criter ia to be classified as pathogenic for atrichia with papular lesions in an autoso mal recessive manner. ACMG/AMP Criteria applied: PVS1, PM2, PP1_Moderate.

Literature cited by the submitters: PubMed 10594736 (cited by Laboratory for Molecular Medicine, Mass General Brigham Personalized Medicine).